The following is an entry in ClinVar:

ClinVar aggregate classification (germline): Pathogenic (1 of 4 stars; one submission).

Submission:

Labcorp Genetics (formerly Invitae), Labcorp
Classification: Pathogenic. Last evaluated: 2023-01-03. Review status: criteria provided, single submitter. Criteria: Invitae Variant Classification Sherloc (09022015). Collection method: clinical testing. Allele origin: germline.
Comment: For these reasons, this variant has been classified as Pathogenic. This variant has not been reported in the literature in individuals affected with ZNF469-related conditions. This variant is not present in population databases (gnomAD no frequency). This sequence change creates a premature translational stop signal (p.Glu696Argfs*36) in the ZNF469 gene. It is expected to result in an absent or disrupted protein product. Loss-of-function variants in ZNF469 are known to be pathogenic (PMID: 23642083, 23680354).

Literature cited by the submitters: PubMed 23642083; PubMed 23680354.

NM_001367624.2(ZNF469):c.2085del (p.Glu696fs)

Gene: ZNF469 (zinc finger protein 469; plus strand). Cytogenetic location: 16q24.2.
Variant type: Deletion.
Coding change: c.2085del on transcript NM_001367624.2 (MANE Select); coding-DNA position 2085, one base deleted (C; older notation c.2085delC).
Protein change: p.Glu696fs; shifts the reading frame from glutamic acid 696.
Molecular consequence: frameshift variant.
Genome position (GRCh38, 1-based): chr16:88,429,555, C deleted; the last of 4 consecutive C bases (chr16:88,429,552-88,429,555); deleting any one gives the same sequence. VCF-style (leftmost placement, unchanged base first): chr16-88429551-GC-G. GRCh37 (hg19) VCF-style: chr16-88495959-GC-G.
Other names: short protein forms E696fs.
Identifiers: ClinVar variation 2826060 (VCV002826060.3), dbSNP rs2507577344, ClinGen allele CA2739265540.